The following is an entry in ClinVar:

ClinVar aggregate classification (germline): Uncertain significance (1 of 4 stars; one submission).

Conditions:
Myofibrillar myopathy 4. Also called: Zaspopathy (type). Identifiers: Orphanet 98912, MedGen C4721886, MONDO:0012277, OMIM 609452.

gnomAD v4.1: 2 of 1,611,558 alleles (0.00012%); highest among the groups gnomAD compares: Non-Finnish European, 0.00017%; no homozygotes.

Submission:

Labcorp Genetics (formerly Invitae), Labcorp
Classification: Uncertain significance for Myofibrillar myopathy 4. Last evaluated: 2022-10-13. Review status: criteria provided, single submitter. Criteria: Invitae Variant Classification Sherloc (09022015). Collection method: clinical testing. Allele origin: germline.
Comment: In summary, the available evidence is currently insufficient to determine the role of this variant in disease. Therefore, it has been classified as a Variant of Uncertain Significance. Experimental studies and prediction algorithms are not available or were not evaluated, and the functional significance of this variant is currently unknown. ClinVar contains an entry for this variant (Variation ID:1460964). This variant has not been reported in the literature in individuals affected with LDB3-related conditions. This variant is not present in population databases (gnomAD no frequency). This sequence change replaces glycine, which is neutral and non-polar, with cysteine, which is neutral and slightly polar, at codon 552 of the LDB3 protein (p.Gly552Cys). The LDB3 gene has multiple clinically relevant transcripts. This variant occurs in alternate transcript NM_007078.3, and corresponds to NM_001080116.1:c.*17375G>T in the primary transcript.

NM_007078.3(LDB3):c.1654G>T (p.Gly552Cys)

Gene: LDB3 (LIM domain binding 3; plus strand). Cytogenetic location: 10q23.2.
Variant type: single nucleotide variant.
Coding change: c.1654G>T on transcript NM_007078.3 (MANE Select); coding-DNA position 1654, G replaced by T.
Protein change: p.Gly552Cys; replaces glycine 552 with cysteine.
Molecular consequence: missense variant.
Genome position (GRCh38, 1-based): chr10:86,716,749, G>T. VCF-style: chr10-86716749-G-T. GRCh37 (hg19) VCF-style: chr10-88476506-G-T.
Other names: c.1324G>T, p.Gly442Cys (NM_001080114.2); c.1669G>T, p.Gly557Cys (NM_001171610.2); c.1465G>T, p.Gly489Cys (NM_001368064.1, NM_001368065.1); c.1513G>T, p.Gly505Cys (NM_001368066.1); short protein forms G557C, G442C, G552C, G489C, G505C.
Identifiers: ClinVar variation 1460964 (VCV001460964.8), dbSNP rs771007816, ClinGen allele CA377451666.